The following is an entry in ClinVar:

ClinVar aggregate classification (germline): Uncertain significance (1 of 4 stars; one submission).

Submission:

Labcorp Genetics (formerly Invitae), Labcorp
Classification: Uncertain significance. Last evaluated: 2019-09-09. Review status: criteria provided, single submitter. Criteria: Invitae Variant Classification Sherloc (09022015). Collection method: clinical testing. Allele origin: germline.
Comment: This sequence change replaces threonine with proline at codon 202 of the POLE protein (p.Thr202Pro). The threonine residue is weakly conserved and there is a small physicochemical difference between threonine and proline. This variant is not present in population databases (ExAC no frequency). This variant has not been reported in the literature in individuals with POLE-related conditions. Algorithms developed to predict the effect of missense changes on protein structure and function are either unavailable or do not agree on the potential impact of this missense change (SIFT: "Tolerated"; PolyPhen-2: "Benign"; Align-GVGD: "Class C0"). In summary, the available evidence is currently insufficient to determine the role of this variant in disease. Therefore, it has been classified as a Variant of Uncertain Significance.

NM_006231.4(POLE):c.604A>C (p.Thr202Pro)

Gene: POLE (DNA polymerase epsilon, catalytic subunit; minus strand). Cytogenetic location: 12q24.33.
Variant type: single nucleotide variant.
Coding change: c.604A>C on transcript NM_006231.4 (MANE Select); coding-DNA position 604, A replaced by C.
Protein change: p.Thr202Pro; replaces threonine 202 with proline.
Molecular consequence: missense variant.
Genome position (GRCh38, 1-based): chr12:132,677,694, T>G on the plus strand (A>C on the coding strand, the complement: POLE is on the minus strand). VCF-style: chr12-132677694-T-G. GRCh37 (hg19) VCF-style: chr12-133254280-T-G.
Other names: short protein forms T202P.
Identifiers: ClinVar variation 959119 (VCV000959119.9), dbSNP rs1593082130, ClinGen allele CA387365403.